The following is an entry in ClinVar:

ClinVar aggregate classification (germline): Uncertain significance (1 of 4 stars; one submission).

Conditions:
NTRK2-related disorder. Also called: NTRK2-related condition.

Submission:

PreventionGenetics, part of Exact Sciences
Classification: Uncertain significance for NTRK2-related condition. Last evaluated: 2026-09-09. Review status: criteria provided, single submitter. Criteria: ACMG Guidelines, 2015. Collection method: clinical testing. Allele origin: germline.
Comment: The NTRK2 c.1832T>C variant is predicted to result in the amino acid substitution p.Leu611Pro. To our knowledge, this variant has not been reported in the literature or in a large population database (gnomAD), indicating this variant is rare. At this time, the clinical significance of this variant is uncertain due to the absence of conclusive functional and genetic evidence.

NM_006180.6(NTRK2):c.1832T>C (p.Leu611Pro)

Gene: NTRK2 (neurotrophic receptor tyrosine kinase 2; plus strand). Cytogenetic location: 9q21.33.
Variant type: single nucleotide variant.
Coding change: c.1832T>C on transcript NM_006180.6 (MANE Select); coding-DNA position 1832, T replaced by C.
Protein change: p.Leu611Pro; replaces leucine 611 with proline.
Molecular consequence: missense variant.
Genome position (GRCh38, 1-based): chr9:84,948,529, T>C. VCF-style: chr9-84948529-T-C. GRCh37 (hg19) VCF-style: chr9-87563444-T-C.
Other names: c.1784T>C, p.Leu595Pro (NM_001018064.3, NM_001369532.1, NM_001369533.1); c.1748T>C, p.Leu583Pro (NM_001369534.1); c.1316T>C, p.Leu439Pro (NM_001369535.1); c.1364T>C, p.Leu455Pro (NM_001369536.1); short protein forms L611P, L455P, L583P, L595P, L439P.
Identifiers: ClinVar variation 4986125 (VCV004986125.1).